The following is an entry in ClinVar:

ClinVar aggregate classification (germline): Uncertain significance (1 of 4 stars; one submission).

Conditions:
COG7 congenital disorder of glycosylation (CDG2E). Also called: CONGENITAL DISORDER OF GLYCOSYLATION, TYPE IIe; CDG IIe. Identifiers: Orphanet 79333, MedGen C2931010, MONDO:0012118, OMIM 608779.

Submission:

Labcorp Genetics (formerly Invitae), Labcorp
Classification: Uncertain significance for COG7 congenital disorder of glycosylation. Last evaluated: 2022-07-25. Review status: criteria provided, single submitter. Criteria: Invitae Variant Classification Sherloc (09022015). Collection method: clinical testing. Allele origin: germline.
Comment: In summary, the available evidence is currently insufficient to determine the role of this variant in disease. Therefore, it has been classified as a Variant of Uncertain Significance. Algorithms developed to predict the effect of missense changes on protein structure and function output the following: SIFT: "Tolerated"; PolyPhen-2: "Benign"; Align-GVGD: "Class C0". The leucine amino acid residue is found in multiple mammalian species, which suggests that this missense change does not adversely affect protein function. This variant has not been reported in the literature in individuals affected with COG7-related conditions. This variant is not present in population databases (gnomAD no frequency). This sequence change replaces valine, which is neutral and non-polar, with leucine, which is neutral and non-polar, at codon 201 of the COG7 protein (p.Val201Leu).

NM_153603.4(COG7):c.601G>T (p.Val201Leu)

Gene: COG7 (component of oligomeric golgi complex 7; minus strand). Cytogenetic location: 16p12.2.
Variant type: single nucleotide variant.
Coding change: c.601G>T on transcript NM_153603.4 (MANE Select); coding-DNA position 601, G replaced by T.
Protein change: p.Val201Leu; replaces valine 201 with leucine.
Molecular consequence: missense variant.
Genome position (GRCh38, 1-based): chr16:23,442,480, C>A on the plus strand (G>T on the coding strand, the complement: COG7 is on the minus strand). VCF-style: chr16-23442480-C-A. GRCh37 (hg19) VCF-style: chr16-23453801-C-A.
Other names: short protein forms V201L.
Identifiers: ClinVar variation 1997440 (VCV001997440.4), dbSNP rs2506660600, ClinGen allele CA395116356.